The following is an entry in ClinVar:

NM_024740.2(ALG9):c.132-18T>G

Gene: ALG9 (ALG9 alpha-1,2-mannosyltransferase; minus strand). Cytogenetic location: 11q23.1.
Variant type: single nucleotide variant.
Coding change: c.132-18T>G on transcript NM_024740.2 (MANE Select); 18 bases into the intron before coding-DNA position 132, T replaced by G.
Molecular consequence: intron variant.
Genome position (GRCh38, 1-based): chr11:111,870,388, A>C on the plus strand (T>G on the coding strand, the complement: ALG9 is on the minus strand). VCF-style: chr11-111870388-A-C. GRCh37 (hg19) VCF-style: chr11-111741111-A-C.
Other names: c.-244+964T>G (NM_001352409.1); c.132-18T>G (NM_001352418.1, NM_001352417.1, NM_001077690.1); c.-386-18T>G (NM_001352410.1, NM_001352413.1, NM_001352423.2 and 2 more transcripts); c.-382-18T>G (NM_001352412.2, NM_001352414.2, NM_001077692.2 and 5 more transcripts); c.-600-18T>G (NM_001352422.2).
Identifiers: ClinVar variation 380524 (VCV000380524.12), dbSNP rs528601164, ClinGen allele CA6274769.
Genomic context (GRCh38, chr11:111,870,388, plus strand): 5'-TCCTTCAGGTGCCCAGACTTGTCCTGCTTTGTTCCCAGATAACCTGTTCAAAAGCAAAAA[A>C]AAAAAAAAAAAAAAAAGCATGTCAGGAAGGACCTGCTAATCAGAAGACCTAAATCTAGAT-3'

ClinVar aggregate classification (germline): Benign/Likely benign. Review status: criteria provided, multiple submitters, no conflicts (2 of 4 stars). 4 submissions from 4 submitters: Benign (1); Likely benign (3). Last evaluated 2026-02-01.

Conditions:
ALG9 congenital disorder of glycosylation (CDG1L). Also called: CDG Il; ALG9-CDG; CONGENITAL DISORDER OF GLYCOSYLATION, TYPE Il. Identifiers: Orphanet 79328, MedGen C2931006, MONDO:0012117, OMIM 608776.

Allele frequency attached by ClinVar (database versions not stated): gnomAD 0.00008; ExAC 0.00195; gnomAD exomes 0.00475; 1000 Genomes Project 0.00719.

Submissions (8):

Labcorp Genetics (formerly Invitae), Labcorp
Classification: Benign for ALG9 congenital disorder of glycosylation. Last evaluated: 2026-02-01. Review status: criteria provided, single submitter. Criteria: Invitae Variant Classification Sherloc (09022015). Collection method: clinical testing. Allele origin: germline.

Blueprint Genetics
Classification: Likely benign. Last evaluated: 2024-11-25. Review status: criteria provided, single submitter. Criteria: ACMG Guidelines, 2015. Collection method: clinical testing. Allele origin: germline.

GeneDx
Classification: Likely benign. Last evaluated: 2018-03-08. Review status: criteria provided, single submitter. Criteria: GeneDx Variant Classification (06012015). Collection method: clinical testing. Allele origin: germline. Affected: yes.
Comment: This variant is considered likely benign or benign based on one or more of the following criteria: it is a conservative change, it occurs at a poorly conserved position in the protein, it is predicted to be benign by multiple in silico algorithms, and/or has population frequency not consistent with disease.

Breakthrough Genomics
Classification: Likely benign. Review status: criteria provided, single submitter. Criteria: ACMG Guidelines, 2015. Collection method: not provided. Allele origin: germline. Inheritance: Autosomal recessive inheritance. Affected: yes.

Dr. Peter K. Rogan Lab, Western University
No classification provided (evidence only). Condition: Lung cancer. Review status: no classification provided. Collection method: in vitro. Allele origin: not applicable. Functional consequence: retained intron. Not counted in ClinVar's aggregate classification.

Dr. Peter K. Rogan Lab, Western University
No classification provided (evidence only). Condition: Familial cancer of breast. Review status: no classification provided. Collection method: in vitro. Allele origin: not applicable. Functional consequence: skipped exon, retained intron. Not counted in ClinVar's aggregate classification.

Dr. Peter K. Rogan Lab, Western University
No classification provided (evidence only). Condition: Malignant tumor of esophagus. Review status: no classification provided. Collection method: in vitro. Allele origin: not applicable. Functional consequence: skipped exon. Not counted in ClinVar's aggregate classification.

Dr. Peter K. Rogan Lab, Western University
No classification provided (evidence only). Condition: Malignant tumor of esophagus. Review status: no classification provided. Collection method: in vitro. Allele origin: not applicable. Functional consequence: skipped exon. Not counted in ClinVar's aggregate classification.